The following is an entry in ClinVar:

NM_020207.7(ERCC6L2):c.1495G>C (p.Glu499Gln)

Gene: ERCC6L2 (ERCC excision repair 6 like 2; plus strand). Cytogenetic location: 9q22.32.
Variant type: single nucleotide variant.
Coding change: c.1495G>C on transcript NM_020207.7 (MANE Select); coding-DNA position 1495, G replaced by C.
Protein change: p.Glu499Gln; replaces glutamic acid 499 with glutamine.
Molecular consequence: missense variant. On other transcripts: non-coding transcript variant (1).
Genome position (GRCh38, 1-based): chr9:95,923,341, G>C. VCF-style: chr9-95923341-G-C. GRCh37 (hg19) VCF-style: chr9-98685623-G-C.
Other names: c.1495G>C, p.Glu499Gln (NM_001010895.4, NM_001375291.1, NM_001375292.1 and 2 more transcripts); short protein forms E499Q.
Identifiers: ClinVar variation 3845950 (VCV003845950.1).

ClinVar aggregate classification (germline): Uncertain significance (1 of 4 stars; one submission).

Conditions:
Inborn genetic diseases. Identifiers: MedGen C0950123, MeSH D030342.

Submission:

Ambry Genetics
Classification: Uncertain significance for Inborn genetic diseases. Last evaluated: 2025-02-19. Review status: criteria provided, single submitter. Criteria: Ambry Variant Classification Scheme 2023. Collection method: clinical testing. Allele origin: germline.
Comment: The p.E499Q variant (also known as c.1495G>C), located in coding exon 9 of the ERCC6L2 gene, results from a G to C substitution at nucleotide position 1495. The glutamic acid at codon 499 is replaced by glutamine, an amino acid with highly similar properties. This amino acid position is conserved. In addition, this alteration is predicted to be tolerated by in silico analysis. Based on the available evidence, the clinical significance of this variant remains unclear.